The following is an entry in ClinVar:

NM_000179.3(MSH6):c.1064G>T (p.Gly355Val)

Gene: MSH6 (mutS homolog 6; plus strand). Cytogenetic location: 2p16.3.
Variant type: single nucleotide variant.
Coding change: c.1064G>T on transcript NM_000179.3 (MANE Select); coding-DNA position 1064, G replaced by T.
Protein change: p.Gly355Val; replaces glycine 355 with valine.
Molecular consequence: missense variant. On other transcripts: non-coding transcript variant (4), intron variant (1).
Genome position (GRCh38, 1-based): chr2:47,799,047, G>T. VCF-style: chr2-47799047-G-T. GRCh37 (hg19) VCF-style: chr2-48026186-G-T.
Other names: c.674G>T, p.Gly225Val (NM_001281492.2); c.158G>T, p.Gly53Val (NM_001281493.2, NM_001281494.2, NM_001406811.1 and 6 more transcripts); c.1160G>T, p.Gly387Val (NM_001406795.1, NM_001406802.1); c.1064G>T, p.Gly355Val (NM_001406796.1, NM_001406798.1, NM_001406800.1 and 4 more transcripts); c.767G>T, p.Gly256Val (NM_001406797.1, NM_001406801.1, NM_001406805.1 and 10 more transcripts); c.539G>T, p.Gly180Val (NM_001406799.1, NM_001406806.1, NM_001406807.1); c.986G>T, p.Gly329Val (NM_001406804.1); c.1070G>T, p.Gly357Val (NM_001406813.1); and 2 more; short protein forms G299V, G357V, G53V, G329V, G355V, G387V, G256V, G180V.
Identifiers: ClinVar variation 4708545 (VCV004708545.1).
Genomic context (GRCh38, chr2:47,799,047, plus strand): 5'-ATACTTTGAGAGCTTTCTCTGCCCCTCAAAATTCTGAATCCCAAGCCCACGTTAGTGGAG[G>T]TGGTGATGACAGTAGTCGCCCTACTGTTTGGTATCATGAAACTTTAGAATGGCTTAAGGA-3'
Protein context (NP_000170.1, residues 345-365): NSESQAHVSG[Gly355Val]GDDSSRPTVW

ClinVar aggregate classification (germline): Uncertain significance (1 of 4 stars; one submission).

Conditions:
Hereditary nonpolyposis colorectal neoplasms. Identifiers: MedGen C0009405, MeSH D003123.

Submission:

Labcorp Genetics (formerly Invitae), Labcorp
Classification: Uncertain significance for Hereditary nonpolyposis colorectal neoplasms. Last evaluated: 2025-12-15. Review status: criteria provided, single submitter. Criteria: Invitae Variant Classification Sherloc (09022015). Collection method: clinical testing. Allele origin: germline.
Comment: This sequence change replaces glycine, which is neutral and non-polar, with valine, which is neutral and non-polar, at codon 355 of the MSH6 protein (p.Gly355Val). This variant is not present in population databases (gnomAD no frequency). This variant has not been reported in the literature in individuals affected with MSH6-related conditions. Invitae Evidence Modeling of protein sequence and biophysical properties (such as structural, functional, and spatial information, amino acid conservation, physicochemical variation, residue mobility, and thermodynamic stability) indicates that this missense variant is not expected to disrupt MSH6 protein function with a negative predictive value of 95%. In summary, the available evidence is currently insufficient to determine the role of this variant in disease. Therefore, it has been classified as a Variant of Uncertain Significance.